The following is an entry in ClinVar:

ClinVar aggregate classification (germline): Likely benign. Review status: criteria provided, multiple submitters, no conflicts (2 of 4 stars). 3 submissions from 3 submitters: Likely benign (2). 1 of the submissions does not count toward it. Last evaluated 2024-08-24.

Conditions:
Adams-Oliver syndrome 5 (AOS5). Identifiers: Orphanet 974, MedGen C4014970, MONDO:0014459, OMIM 616028.
Familial thoracic aortic aneurysm and aortic dissection (TAAD). Also called: Thoracic aortic aneurysms and dissections. Identifiers: Orphanet 91387, MedGen C4707243, MONDO:0019625.
NOTCH1-related disorder. Also called: NOTCH1-related condition; NOTCH1-related disorders.

Allele frequency attached by ClinVar (database versions not stated): gnomAD exomes below 0.00001; ExAC 0.00001.
gnomAD v4.1: 16 of 1,612,896 alleles (0.00099%); highest among the groups gnomAD compares: African/African-American, 0.004%; no homozygotes.

Submissions (3):

Labcorp Genetics (formerly Invitae), Labcorp
Classification: Likely benign for Adams-Oliver syndrome 5. Last evaluated: 2024-08-24. Review status: criteria provided, single submitter. Criteria: Invitae Variant Classification Sherloc (09022015). Collection method: clinical testing. Allele origin: germline.

Ambry Genetics
Classification: Likely benign for Familial thoracic aortic aneurysm and aortic dissection. Last evaluated: 2022-09-10. Review status: criteria provided, single submitter. Criteria: Ambry Variant Classification Scheme 2023. Collection method: clinical testing. Allele origin: germline.

PreventionGenetics, part of Exact Sciences
Classification: Likely benign for NOTCH1-related condition. Last evaluated: 2021-11-04. Review status: no assertion criteria provided. Collection method: clinical testing. Allele origin: germline. Not counted in ClinVar's aggregate classification.
Comment: This variant is classified as likely benign based on ACMG/AMP sequence variant interpretation guidelines (Richards et al. 2015 PMID: 25741868, with internal and published modifications).

NM_017617.5(NOTCH1):c.7071C>T (p.Ser2357=)

Gene: NOTCH1 (notch receptor 1; minus strand). Cytogenetic location: 9q34.3.
Variant type: single nucleotide variant.
Coding change: c.7071C>T on transcript NM_017617.5 (MANE Select); coding-DNA position 7071, C replaced by T.
Protein change: p.Ser2357=; no amino-acid change (serine 2357 retained).
Molecular consequence: synonymous variant.
Genome position (GRCh38, 1-based): chr9:136,496,668, G>A on the plus strand (C>T on the coding strand, the complement: NOTCH1 is on the minus strand). VCF-style: chr9-136496668-G-A. GRCh37 (hg19) VCF-style: chr9-139391120-G-A.
Other names: c.7071C>T (NM_017617.4).
Identifiers: ClinVar variation 751642 (VCV000751642.14), dbSNP rs61751487, ClinGen allele CA5339760.